The following is an entry in ClinVar:

NM_170601.5(SIAE):c.894A>C (p.Glu298Asp)

Gene: SIAE (sialic acid acetylesterase; minus strand). Cytogenetic location: 11q24.2.
Variant type: single nucleotide variant.
Coding change: c.894A>C on transcript NM_170601.5 (MANE Select); coding-DNA position 894, A replaced by C.
Protein change: p.Glu298Asp; replaces glutamic acid 298 with aspartic acid.
Molecular consequence: missense variant.
Genome position (GRCh38, 1-based): chr11:124,647,437, T>G on the plus strand (A>C on the coding strand, the complement: SIAE is on the minus strand). VCF-style: chr11-124647437-T-G. GRCh37 (hg19) VCF-style: chr11-124517333-T-G.
Other names: c.789A>C, p.Glu263Asp (NM_001199922.2); short protein forms E263D, E298D.
Identifiers: ClinVar variation 2845208 (VCV002845208.3), dbSNP rs2496900081, ClinGen allele CA383148716.

ClinVar aggregate classification (germline): Uncertain significance (1 of 4 stars; one submission).

Submission:

Labcorp Genetics (formerly Invitae), Labcorp
Classification: Uncertain significance. Last evaluated: 2023-10-13. Review status: criteria provided, single submitter. Criteria: Invitae Variant Classification Sherloc (09022015). Collection method: clinical testing. Allele origin: germline.
Comment: This sequence change replaces glutamic acid, which is acidic and polar, with aspartic acid, which is acidic and polar, at codon 298 of the SIAE protein (p.Glu298Asp). This variant is not present in population databases (gnomAD no frequency). This variant has not been reported in the literature in individuals affected with SIAE-related conditions. Algorithms developed to predict the effect of missense changes on protein structure and function output the following: SIFT: "Not Available"; PolyPhen-2: "Benign"; Align-GVGD: "Not Available". The aspartic acid amino acid residue is found in multiple mammalian species, which suggests that this missense change does not adversely affect protein function. In summary, the available evidence is currently insufficient to determine the role of this variant in disease. Therefore, it has been classified as a Variant of Uncertain Significance.